The following is an entry in ClinVar:

NM_015474.4(SAMHD1):c.1780C>T (p.Gln594Ter)

Genes: SAMHD1 (SAM and HD domain containing deoxynucleoside triphosphate triphosphohydrolase 1; minus strand), TLDC2 (TBC/LysM-associated domain containing 2; plus strand). Cytogenetic location: 20q11.23.
Variant type: single nucleotide variant.
Coding change: c.1780C>T on transcript NM_015474.4 (MANE Select); coding-DNA position 1780, C replaced by T.
Protein change: p.Gln594Ter; replaces glutamine 594 with a stop codon.
Molecular consequence: nonsense. On other transcripts: 3 prime UTR variant (3).
Genome position (GRCh38, 1-based): chr20:36,893,033, G>A on the plus strand (C>T on the coding strand, the complement: SAMHD1 is on the minus strand). VCF-style: chr20-36893033-G-A. GRCh37 (hg19) VCF-style: chr20-35521436-G-A.
Other names: c.*189G>A (NM_001304783.1, NM_080628.3); c.1675C>T, p.Gln559Ter (NM_001363729.2); c.*873C>T (NM_001363733.2); short protein forms Q559*, Q594*.
Identifiers: ClinVar variation 1398327 (VCV001398327.6), dbSNP rs1990117713, ClinGen allele CA408838584.

ClinVar aggregate classification (germline): Uncertain significance (1 of 4 stars; one submission).

Conditions:
Aicardi-Goutieres syndrome 5. Identifiers: Orphanet 51, MedGen C2749659, MONDO:0013059, OMIM 612952.

Allele frequency attached by ClinVar (database versions not stated): gnomAD exomes below 0.00001.
gnomAD v4.1: 1 of 1,613,520 alleles (0.000062%); highest among the groups gnomAD compares: Non-Finnish European, 0.000085%; no homozygotes.

Submission:

Labcorp Genetics (formerly Invitae), Labcorp
Classification: Uncertain significance for Aicardi-Goutieres syndrome 5. Last evaluated: 2021-05-31. Review status: criteria provided, single submitter. Criteria: Invitae Variant Classification Sherloc (09022015). Collection method: clinical testing. Allele origin: germline.
Comment: This sequence change creates a premature translational stop signal (p.Gln594*) in the SAMHD1 gene. While this is not anticipated to result in nonsense mediated decay, it is expected to disrupt the last 33 amino acid(s) of the SAMHD1 protein. This variant is not present in population databases (ExAC no frequency). This variant has not been reported in the literature in individuals with SAMHD1-related conditions. Experimental studies and prediction algorithms are not available or were not evaluated, and the functional significance of this variant is currently unknown. In summary, the available evidence is currently insufficient to determine the role of this variant in disease. Therefore, it has been classified as a Variant of Uncertain Significance.